The following is an entry in ClinVar:

ClinVar aggregate classification (germline): other (0 of 4 stars; one submission).

Conditions:
Familial colorectal cancer. Identifiers: MedGen CN280943, MONDO:0023113. Disease mechanism: loss of function.

Submission:

Systems Biology Platform Zhejiang California International NanoSystems Institute
Classification: other for Familial colorectal cancer. Review status: no assertion criteria provided. Collection method: not provided. Allele origin: unknown.
ClinVar note: Converted during submission from cancer to other.

NM_000038.6(APC):c.730-1879T>C

Gene: APC (APC regulator of WNT signaling pathway; plus strand). Cytogenetic location: 5q22.2.
Variant type: single nucleotide variant.
Coding change: c.730-1879T>C on transcript NM_000038.6 (MANE Select); 1879 bases into the intron before coding-DNA position 730, T replaced by C.
Molecular consequence: intron variant.
Genome position (GRCh38, 1-based): chr5:112,799,400, T>C. VCF-style: chr5-112799400-T-C. GRCh37 (hg19) VCF-style: chr5-112135097-T-C.
Other names: c.730-1879T>C (NM_001354895.2, NM_001127510.3, NM_001354896.2 and 1 more transcripts); c.760-1879T>C (NM_001354897.2, NM_001354902.2); c.676-1879T>C (NM_001127511.3); c.655-1879T>C (NM_001354898.2, NM_001354904.2); c.-306-1879T>C (NM_001354906.2); c.646-1879T>C (NM_001354899.2); c.553-1879T>C (NM_001354900.2, NM_001354901.2, NM_001354905.2).
Identifiers: ClinVar variation 83032 (VCV000083032.2), dbSNP rs79794561, ClinGen allele CA013403.